The following is an entry in ClinVar:

ClinVar aggregate classification (germline): Pathogenic. Review status: criteria provided, multiple submitters, no conflicts (2 of 4 stars). 3 submissions from 3 submitters: Pathogenic (2). 1 of the submissions does not count toward it. Last evaluated 2025-05-22.

Conditions:
PAX3-related disorder. Also called: PAX3-related condition.
Waardenburg syndrome type 1 (WS1). Also called: Waardenburg Syndrome Type I; WAARDENBURG SYNDROME WITH DYSTOPIA CANTHORUM. Identifiers: Orphanet 894, MedGen C1847800, MONDO:0008670, OMIM 193500.

Submissions (3):

Labcorp Genetics (formerly Invitae), Labcorp
Classification: Pathogenic. Last evaluated: 2025-05-22. Review status: criteria provided, single submitter. Criteria: Invitae Variant Classification Sherloc (09022015). Collection method: clinical testing. Allele origin: germline.
Comment: This sequence change replaces proline, which is neutral and non-polar, with leucine, which is neutral and non-polar, at codon 50 of the PAX3 protein (p.Pro50Leu). This variant is not present in population databases (gnomAD no frequency). This missense change has been observed in individuals with autosomal dominant Waardenburg syndrome (PMID: 1347149, 9302254). It has also been observed to segregate with disease in related individuals. This variant is also known as P17L. ClinVar contains an entry for this variant (Variation ID: 4206). Invitae Evidence Modeling of protein sequence and biophysical properties (such as structural, functional, and spatial information, amino acid conservation, physicochemical variation, residue mobility, and thermodynamic stability) indicates that this missense variant is expected to disrupt PAX3 protein function with a positive predictive value of 80%. Experimental studies have shown that this missense change affects PAX3 function (PMID: 9302254, 10942418). This variant disrupts the p.Pro50Thr amino acid residue in PAX3. Other variant(s) that disrupt this residue have been determined to be pathogenic (internal data). This suggests that this residue is clinically significant, and that variants that disrupt this residue are likely to be disease-causing. For these reasons, this variant has been classified as Pathogenic.

Blueprint Genetics
Classification: Pathogenic for PAX3-related disorders. Last evaluated: 2024-02-09. Review status: criteria provided, single submitter. Criteria: ACMG Guidelines, 2015. Collection method: clinical testing. Allele origin: germline. Affected: yes. Observed: 1 variant allele.

OMIM
Classification: Pathogenic for WAARDENBURG SYNDROME, TYPE 1. Last evaluated: 1992-02-13. Review status: no assertion criteria provided. Collection method: literature only. Allele origin: germline. Not counted in ClinVar's aggregate classification.

Literature cited by the submitters: PubMed 1347149 (cited by Labcorp Genetics (formerly Invitae), Labcorp and OMIM); PubMed 9302254 (cited by Labcorp Genetics (formerly Invitae), Labcorp); PubMed 10942418 (cited by Labcorp Genetics (formerly Invitae), Labcorp); PubMed 1887852 (cited by OMIM); Milunsky, A., Lipsky, N., Sheffer, R., Zlotogora, J., Baldwin, C. A mutation in the Waardenburg syndrome (WS-I) gene in a family with 'WS-III'. (Abstract) Am. J. Hum. Genet. 51 (suppl.): A222, 1992. (cited by OMIM).

NM_181458.4(PAX3):c.149C>T (p.Pro50Leu)

Gene: PAX3 (paired box 3; minus strand). Cytogenetic location: 2q36.1.
Variant type: single nucleotide variant.
Coding change: c.149C>T on transcript NM_181458.4 (MANE Select); coding-DNA position 149, C replaced by T.
Protein change: p.Pro50Leu; replaces proline 50 with leucine.
Molecular consequence: missense variant.
Genome position (GRCh38, 1-based): chr2:222,297,150, G>A on the plus strand (C>T on the coding strand, the complement: PAX3 is on the minus strand). VCF-style: chr2-222297150-G-A. GRCh37 (hg19) VCF-style: chr2-223161869-G-A.
Other names: c.149C>T, p.Pro50Leu (NM_000438.6, NM_001127366.3, NM_013942.5 and 4 more transcripts); short protein forms P50L.
Identifiers: ClinVar variation 4206 (VCV000004206.4), dbSNP rs104893650, ClinGen allele CA253048.